The following is an entry in ClinVar:

ClinVar aggregate classification (germline): Uncertain significance (1 of 4 stars; one submission).

Conditions:
Inborn genetic diseases. Identifiers: MedGen C0950123, MeSH D030342.

gnomAD v4.1: 1 of 1,608,522 alleles (0.000062%); highest among the groups gnomAD compares: Non-Finnish European, 0.000085%; no homozygotes.

Submission:

Ambry Genetics
Classification: Uncertain significance for Inborn genetic diseases. Last evaluated: 2026-04-28. Review status: criteria provided, single submitter. Criteria: Ambry Variant Classification Scheme 2023. Collection method: clinical testing. Allele origin: germline.
Comment: The p.A157D variant (also known as c.470C>A), located in coding exon 2 of the GATA2 gene, results from a C to A substitution at nucleotide position 470. The alanine at codon 157 is replaced by aspartic acid, an amino acid with dissimilar properties. This amino acid position is conserved. In addition, the in silico prediction for this alteration is inconclusive. Based on the available evidence, the clinical significance of this variant remains unclear.

NM_032638.5(GATA2):c.470C>A (p.Ala157Asp)

Gene: GATA2 (GATA binding protein 2; minus strand). Cytogenetic location: 3q21.3.
Variant type: single nucleotide variant.
Coding change: c.470C>A on transcript NM_032638.5 (MANE Select); coding-DNA position 470, C replaced by A.
Protein change: p.Ala157Asp; replaces alanine 157 with aspartic acid.
Molecular consequence: missense variant.
Genome position (GRCh38, 1-based): chr3:128,486,128, G>T on the plus strand (C>A on the coding strand, the complement: GATA2 is on the minus strand). VCF-style: chr3-128486128-G-T. GRCh37 (hg19) VCF-style: chr3-128204971-G-T.
Other names: c.470C>A, p.Ala157Asp (NM_001145661.2, NM_001145662.1); short protein forms A157D.
Identifiers: ClinVar variation 4871682 (VCV004871682.1).